The following is an entry in ClinVar:

ClinVar aggregate classification (germline): Uncertain significance (1 of 4 stars; one submission).

Submission:

GeneDx
Classification: Uncertain significance. Last evaluated: 2022-06-10. Review status: criteria provided, single submitter. Criteria: GeneDx Variant Classification Process June 2021. Collection method: clinical testing. Allele origin: germline. Affected: yes.
Comment: Not observed at significant frequency in large population cohorts (gnomAD); In silico analysis supports that this missense variant does not alter protein structure/function; Has not been previously published as pathogenic or benign to our knowledge

NM_019066.5(MAGEL2):c.1075C>G (p.Pro359Ala)

Gene: MAGEL2 (MAGE family member L2; minus strand). Cytogenetic location: 15q11.2.
Variant type: single nucleotide variant.
Coding change: c.1075C>G on transcript NM_019066.5 (MANE Select); coding-DNA position 1075, C replaced by G.
Protein change: p.Pro359Ala; replaces proline 359 with alanine.
Molecular consequence: missense variant.
Genome position (GRCh38, 1-based): chr15:23,646,668, G>C on the plus strand (C>G on the coding strand, the complement: MAGEL2 is on the minus strand). VCF-style: chr15-23646668-G-C. GRCh37 (hg19) VCF-style: chr15-23891815-G-C.
Other names: short protein forms P359A.
Identifiers: ClinVar variation 1803431 (VCV001803431.1), dbSNP rs2503982146, ClinGen allele CA391335228.